The following is an entry in ClinVar:

NM_000213.5(ITGB4):c.4751C>T (p.Ser1584Leu)

Genes: ITGB4 (integrin subunit beta 4; plus strand), GALK1 (galactokinase 1; minus strand). Cytogenetic location: 17q25.1.
Variant type: single nucleotide variant.
Coding change: c.4751C>T on transcript NM_000213.5 (MANE Select); coding-DNA position 4751, C replaced by T.
Protein change: p.Ser1584Leu; replaces serine 1584 with leucine.
Molecular consequence: missense variant. On other transcripts: intron variant (1).
Genome position (GRCh38, 1-based): chr17:75,756,471, C>T. VCF-style: chr17-75756471-C-T. GRCh37 (hg19) VCF-style: chr17-73752552-C-T.
Other names: c.4541C>T (NM_001005731.1); c.4700C>T, p.Ser1567Leu (NM_001005619.2); c.4541C>T, p.Ser1514Leu (NM_001005731.3, NM_001321123.2); c.4391C>T, p.Ser1464Leu (NM_001438834.1); c.*22+1563G>A (NM_001381985.1); short protein forms S1567L, S1584L, S1514L, S1464L.
Identifiers: ClinVar variation 1490872 (VCV001490872.45), dbSNP rs375075647, ClinGen allele CA8770306.

ClinVar aggregate classification (germline): Uncertain significance. Review status: criteria provided, multiple submitters, no conflicts (2 of 4 stars). 3 submissions from 3 submitters: Uncertain significance (3). Last evaluated 2022-07-26.

Conditions:
Junctional epidermolysis bullosa with pyloric atresia. Also called: APLASIA CUTIS CONGENITA WITH GASTROINTESTINAL ATRESIA; CARMI SYNDROME; EB-PA-ACC; ITGB4-Related Epidermolysis Bullosa with Pyloric Atresia; EPIDERMOLYSIS BULLOSA, JUNCTIONAL 5B, WITH PYLORIC ATRESIA; Junctional Epidermolysis Bullosa- Pyloric Atresia Syndrome. Identifiers: Orphanet 79403, MedGen C5676875, MONDO:0009183, OMIM 226730.
Epidermolysis bullosa, junctional 5A, intermediate. Also called: EPIDERMOLYSIS BULLOSA, JUNCTIONAL 5A, GENERALIZED INTERMEDIATE; EPIDERMOLYSIS BULLOSA, JUNCTIONAL 5A, NON-HERLITZ TYPE. Identifiers: MedGen C5676956, MONDO:0030768, OMIM 619816.
Inborn genetic diseases. Identifiers: MedGen C0950123, MeSH D030342.

Allele frequency attached by ClinVar (database versions not stated): gnomAD exomes 0.00002 and 0.00001; gnomAD 0.00006; ExAC 0.00002; ESP Exome Variant Server 0.00008; TOPMed 0.00008.
gnomAD v4.1: 27 of 1,613,206 alleles (0.0017%); highest among the groups gnomAD compares: African/African-American, 0.02%; no homozygotes.

Submissions (3):

Labcorp Genetics (formerly Invitae), Labcorp
Classification: Uncertain significance. Last evaluated: 2022-07-26. Review status: criteria provided, single submitter. Criteria: Invitae Variant Classification Sherloc (09022015). Collection method: clinical testing. Allele origin: germline.
Comment: This sequence change replaces serine with leucine at codon 1514 of the ITGB4 protein (p.Ser1514Leu). The serine residue is highly conserved and there is a large physicochemical difference between serine and leucine. This variant is present in population databases (rs375075647, gnomAD 0.006%). This variant has not been reported in the literature in individuals affected with ITGB4-related conditions. ClinVar contains an entry for this variant (Variation ID: 1490872). Algorithms developed to predict the effect of missense changes on protein structure and function are either unavailable or do not agree on the potential impact of this missense change (SIFT: "Not Available"; PolyPhen-2: "Possibly Damaging"; Align-GVGD: "Not Available"). In summary, the available evidence is currently insufficient to determine the role of this variant in disease. Therefore, it has been classified as a Variant of Uncertain Significance.

Fulgent Genetics
Classification: Uncertain significance for Junctional epidermolysis bullosa with pyloric atresia; Epidermolysis bullosa, junctional 5A, intermediate. Last evaluated: 2021-09-15. Review status: criteria provided, single submitter. Criteria: ACMG Guidelines, 2015. Collection method: clinical testing. Allele origin: unknown.

Ambry Genetics
Classification: Uncertain significance for Inborn genetic diseases. Last evaluated: 2021-07-20. Review status: criteria provided, single submitter. Criteria: Ambry Variant Classification Scheme 2023. Collection method: clinical testing. Allele origin: germline.